The following is an entry in ClinVar:

ClinVar aggregate classification (germline): Uncertain significance. Review status: criteria provided, multiple submitters, no conflicts (2 of 4 stars). 2 submissions from 2 submitters: Uncertain significance (2). Last evaluated 2022-08-12.

Conditions:
Inborn genetic diseases. Identifiers: MedGen C0950123, MeSH D030342.
Cortical dysplasia-focal epilepsy syndrome (PTHSL1). Also called: Pitt-Hopkins-like syndrome 1. Identifiers: Orphanet 163681, Orphanet 221150, MedGen C2750246, MONDO:0012400, OMIM 610042.

Allele frequency attached by ClinVar (database versions not stated): gnomAD exomes 0.00001.
gnomAD v4.1: 22 of 1,613,996 alleles (0.0014%); highest among the groups gnomAD compares: Middle Eastern, 0.049%; no homozygotes.

Submissions (2):

Labcorp Genetics (formerly Invitae), Labcorp
Classification: Uncertain significance for Cortical dysplasia-focal epilepsy syndrome. Last evaluated: 2022-08-12. Review status: criteria provided, single submitter. Criteria: Invitae Variant Classification Sherloc (09022015). Collection method: clinical testing. Allele origin: germline.
Comment: This sequence change replaces glutamic acid, which is acidic and polar, with lysine, which is basic and polar, at codon 733 of the CNTNAP2 protein (p.Glu733Lys). This variant is present in population databases (no rsID available, gnomAD 0.009%). This variant has not been reported in the literature in individuals affected with CNTNAP2-related conditions. ClinVar contains an entry for this variant (Variation ID: 412002). Algorithms developed to predict the effect of missense changes on protein structure and function are either unavailable or do not agree on the potential impact of this missense change (SIFT: "Deleterious"; PolyPhen-2: "Benign"; Align-GVGD: "Class C55"). In summary, the available evidence is currently insufficient to determine the role of this variant in disease. Therefore, it has been classified as a Variant of Uncertain Significance.

Ambry Genetics
Classification: Uncertain significance for Inborn genetic diseases. Last evaluated: 2017-06-07. Review status: criteria provided, single submitter. Criteria: Ambry Variant Classification Scheme 2023. Collection method: clinical testing. Allele origin: germline.
Comment: The p.E733K variant (also known as c.2197G>A), located in coding exon 14 of the CNTNAP2 gene, results from a G to A substitution at nucleotide position 2197. The glutamic acid at codon 733 is replaced by lysine, an amino acid with similar properties. This amino acid position is well conserved in available vertebrate species. In addition, this alteration is predicted to be tolerated by in silico analysis. Since supporting evidence is limited at this time, the clinical significance of this alteration remains unclear.

NM_014141.6(CNTNAP2):c.2197G>A (p.Glu733Lys)

Gene: CNTNAP2 (contactin associated protein 2; plus strand). Cytogenetic location: 7q35.
Variant type: single nucleotide variant.
Coding change: c.2197G>A on transcript NM_014141.6 (MANE Select); coding-DNA position 2197, G replaced by A.
Protein change: p.Glu733Lys; replaces glutamic acid 733 with lysine.
Molecular consequence: missense variant.
Genome position (GRCh38, 1-based): chr7:147,903,663, G>A. VCF-style: chr7-147903663-G-A. GRCh37 (hg19) VCF-style: chr7-147600755-G-A.
Other names: short protein forms E733K.
Identifiers: ClinVar variation 412002 (VCV000412002.9), dbSNP rs991842796, ClinGen allele CA16612177.